The following is an entry in ClinVar:

ClinVar aggregate classification (germline): Uncertain significance (1 of 4 stars; one submission).

Conditions:
Epileptic encephalopathy. Identifiers: MedGen C0543888, HP:0200134.

Allele frequency attached by ClinVar (database versions not stated): TOPMed 0.00001.

Submission:

Labcorp Genetics (formerly Invitae), Labcorp
Classification: Uncertain significance for Epileptic encephalopathy. Last evaluated: 2023-09-15. Review status: criteria provided, single submitter. Criteria: Invitae Variant Classification Sherloc (09022015). Collection method: clinical testing. Allele origin: germline.
Comment: In summary, the available evidence is currently insufficient to determine the role of this variant in disease. Therefore, it has been classified as a Variant of Uncertain Significance. Advanced modeling of protein sequence and biophysical properties (such as structural, functional, and spatial information, amino acid conservation, physicochemical variation, residue mobility, and thermodynamic stability) performed at Invitae indicates that this missense variant is not expected to disrupt GABBR2 protein function. This variant has not been reported in the literature in individuals affected with GABBR2-related conditions. This variant is not present in population databases (gnomAD no frequency). This sequence change replaces alanine, which is neutral and non-polar, with glycine, which is neutral and non-polar, at codon 783 of the GABBR2 protein (p.Ala783Gly).

NM_005458.8(GABBR2):c.2348C>G (p.Ala783Gly)

Gene: GABBR2 (gamma-aminobutyric acid type B receptor subunit 2; minus strand). Cytogenetic location: 9q22.33.
Variant type: single nucleotide variant.
Coding change: c.2348C>G on transcript NM_005458.8 (MANE Select); coding-DNA position 2348, C replaced by G.
Protein change: p.Ala783Gly; replaces alanine 783 with glycine.
Molecular consequence: missense variant.
Genome position (GRCh38, 1-based): chr9:98,303,305, G>C on the plus strand (C>G on the coding strand, the complement: GABBR2 is on the minus strand). VCF-style: chr9-98303305-G-C. GRCh37 (hg19) VCF-style: chr9-101065587-G-C.
Other names: short protein forms A783G.
Identifiers: ClinVar variation 2971808 (VCV002971808.3), dbSNP rs1588089481, ClinGen allele CA374197375.